The following continues an entry in ClinVar:

NM_198076.6(COX20):c.157+3G>C

Gene: COX20. ClinVar aggregate classification (germline): Pathogenic/Likely pathogenic. Pathogenic (10); Likely pathogenic (7).

Submissions 12 to 31 of 31:

Victorian Clinical Genetics Services, Murdoch Childrens Research Institute
Classification: Pathogenic for Mitochondrial complex IV deficiency, nuclear type 11. Last evaluated: 2024-10-09. Review status: criteria provided, single submitter. Criteria: ACMG Guidelines, 2015. Collection method: clinical testing. Allele origin: germline. Inheritance: Autosomal recessive inheritance. Affected: yes.
Comment: Based on the classification scheme VCGS_Germline_v1.3.5, this variant is classified as Pathogenic. Following criteria are met: 0102 - Loss of function is a known mechanism of disease in this gene and is associated with mitochondrial complex IV deficiency, nuclear type 11 (MIM#619054). (I) 0106 - This gene is associated with autosomal recessive disease. (I) 0115 - Variants in this gene are known to have variable expressivity (OMIM). (I) 0209 - Splice site variant proven to affect splicing of the transcript with uncertain effect on protein sequence. This variant is predicted to result in an out-of- frame loss of exon 2. RT-PCR experiments using patient cells demonstrates an increased expression of the exon 2 deletion transcript and loss of the full length WT transcript compared with control cells (PMID: 30656193). (SP) 0251 - This variant is heterozygous. (I) 0304 - Variant is present in gnomAD (v4) <0.01 for a recessive condition (1391 heterozygotes, 0 homozygotes). (SP) 0309 - An alternative amino acid change at the same position has been observed in gnomAD (v2; 1 heterozygote, 0 homozygotes). (I) 0801 - This variant has strong previous evidence of pathogenicity in unrelated individuals. This variant has been classified as pathogenic by multiple clinical diagnostic laboratories and has been reported in multiple affected compound heterozygous individuals (ClinVar, PMIDs: 30656193). (SP) 1208 - Inheritance information for this variant is not currently available in this individual. (I) Legend: (SP) - Supporting pathogenic, (I) - Information, (SB) - Supporting benign

Mayo Clinic Laboratories, Mayo Clinic
Classification: Pathogenic. Last evaluated: 2023-08-16. Review status: criteria provided, single submitter. Criteria: ACMG Guidelines, 2015. Collection method: clinical testing. Allele origin: germline. Observed: 2 variant alleles.
Comment: PP1_strong, PP3, PM3_very_strong, PS3

Department of Pathology and Laboratory Medicine, Sinai Health System
Classification: Likely pathogenic for Mitochondrial complex IV deficiency, nuclear type 11. Last evaluated: 2022-10-20. Review status: criteria provided, single submitter. Criteria: ACMG Guidelines, 2015. Collection method: research. Allele origin: germline.

Baylor Genetics
Classification: Likely pathogenic for Mitochondrial complex IV deficiency, nuclear type 11. Last evaluated: 2022-06-17. Review status: criteria provided, single submitter. Criteria: ACMG Guidelines, 2015. Collection method: clinical testing. Allele origin: unknown.

Fulgent Genetics
Classification: Likely pathogenic for Mitochondrial complex IV deficiency, nuclear type 11. Last evaluated: 2021-06-30. Review status: criteria provided, single submitter. Criteria: ACMG Guidelines, 2015. Collection method: clinical testing. Allele origin: unknown.
Comment: This variant has been detected in individual(s) who were sent for testing of Renasight - kidney gene panel.

Undiagnosed Diseases Network, NIH
Classification: Pathogenic for Mitochondrial complex IV deficiency, nuclear type 11. Last evaluated: 2020-12-18. Review status: criteria provided, single submitter. Criteria: ACMG Guidelines, 2015. Collection method: clinical testing. Allele origin: maternal. Inheritance: Autosomal recessive inheritance. Affected: yes. Observed: 1 variant allele, 1 compound heterozygote. Study: Undiagnosed Diseases Network (NIH), UDN.

OMIM
Classification: Pathogenic for MITOCHONDRIAL COMPLEX IV DEFICIENCY, NUCLEAR TYPE 11. Last evaluated: 2022-02-04. Review status: no assertion criteria provided. Collection method: literature only. Allele origin: germline. Not counted in ClinVar's aggregate classification.

Clinical Genetics DNA and cytogenetics Diagnostics Lab, Erasmus MC, Erasmus Medical Center
Classification: Uncertain significance. Review status: no assertion criteria provided. Collection method: clinical testing. Allele origin: germline. Affected: yes. Study: VKGL Data-share Consensus. Not counted in ClinVar's aggregate classification.

Diagnostic Laboratory, Department of Genetics, University Medical Center Groningen
Classification: Uncertain significance. Review status: no assertion criteria provided. Collection method: clinical testing. Allele origin: germline. Affected: yes. Study: VKGL Data-share Consensus. Not counted in ClinVar's aggregate classification.

Dr. Peter K. Rogan Lab, Western University
No classification provided (evidence only). Condition: Uterine corpus endometrial carcinoma. Review status: no classification provided. Collection method: in vitro. Allele origin: not applicable. Functional consequence: skipped exon, retained intron. Not counted in ClinVar's aggregate classification.

Dr. Peter K. Rogan Lab, Western University
No classification provided (evidence only). Condition: Adrenocortical carcinoma, hereditary. Review status: no classification provided. Collection method: in vitro. Allele origin: not applicable. Functional consequence: retained intron. Not counted in ClinVar's aggregate classification.

Dr. Peter K. Rogan Lab, Western University
No classification provided (evidence only). Condition: Familial pancreatic carcinoma. Review status: no classification provided. Collection method: in vitro. Allele origin: not applicable. Functional consequence: retained intron. Not counted in ClinVar's aggregate classification.

Dr. Peter K. Rogan Lab, Western University
No classification provided (evidence only). Condition: Lymphoma. Review status: no classification provided. Collection method: in vitro. Allele origin: not applicable. Functional consequence: retained intron. Not counted in ClinVar's aggregate classification.

Dr. Peter K. Rogan Lab, Western University
No classification provided (evidence only). Condition: Malignant tumor of urinary bladder. Review status: no classification provided. Collection method: in vitro. Allele origin: not applicable. Functional consequence: skipped exon, retained intron. Not counted in ClinVar's aggregate classification.

Dr. Peter K. Rogan Lab, Western University
No classification provided (evidence only). Condition: Clear cell carcinoma of kidney. Review status: no classification provided. Collection method: in vitro. Allele origin: not applicable. Functional consequence: retained intron. Not counted in ClinVar's aggregate classification.

Dr. Peter K. Rogan Lab, Western University
No classification provided (evidence only). Condition: Lung cancer. Review status: no classification provided. Collection method: in vitro. Allele origin: not applicable. Functional consequence: skipped exon, retained intron. Not counted in ClinVar's aggregate classification.

Dr. Peter K. Rogan Lab, Western University
No classification provided (evidence only). Condition: Melanoma. Review status: no classification provided. Collection method: in vitro. Allele origin: not applicable. Functional consequence: retained intron. Not counted in ClinVar's aggregate classification.

Dr. Peter K. Rogan Lab, Western University
No classification provided (evidence only). Condition: Acute myeloid leukemia. Review status: no classification provided. Collection method: in vitro. Allele origin: not applicable. Functional consequence: retained intron. Not counted in ClinVar's aggregate classification.

Dr. Peter K. Rogan Lab, Western University
No classification provided (evidence only). Condition: Colon adenocarcinoma. Review status: no classification provided. Collection method: in vitro. Allele origin: not applicable. Functional consequence: skipped exon, retained intron. Not counted in ClinVar's aggregate classification.

Fulgent Genetics
Classification: Uncertain significance for Mitochondrial complex IV deficiency, nuclear type 1. Last evaluated: 2018-10-31. Review status: flagged submission. Criteria: ACMG Guidelines, 2015. Collection method: clinical testing. Allele origin: unknown. Not counted in ClinVar's aggregate classification.
ClinVar note: Reason: New submission from submitter that appears to have been intended to update this older submission

Literature cited by the submitters: PubMed 30656193 (cited by 6 submitters); PubMed 32827528 (cited by 4 submitters); PubMed 32999401 (cited by 4 submitters); PubMed 17576681 (cited by Labcorp Genetics (formerly Invitae), Labcorp); PubMed 9536098 (cited by Labcorp Genetics (formerly Invitae), Labcorp); PubMed 32304865 (cited by Mayo Clinic Laboratories, Mayo Clinic); PubMed 32606554 (cited by Mayo Clinic Laboratories, Mayo Clinic); PubMed 35651336 (cited by Mayo Clinic Laboratories, Mayo Clinic); PubMed 37095481 (cited by Mayo Clinic Laboratories, Mayo Clinic).